The following is an entry in ClinVar:

ClinVar aggregate classification (germline): Pathogenic. Review status: criteria provided, multiple submitters, no conflicts (2 of 4 stars). 4 submissions from 4 submitters: Pathogenic (4). Last evaluated 2025-09-15.

Conditions:
CFAP410-related disorder. Also called: CFAP410-related condition.
Retinal dystrophy with or without macular staphyloma. Identifiers: Orphanet 653709, MedGen C4479651, MONDO:0060507, OMIM 617547.
Retinal dystrophy. Also called: Inherited retinal dystrophy. Identifiers: Orphanet 71862, MedGen C0854723, MeSH D058499, MONDO:0019118, HP:0000556.

Allele frequency attached by ClinVar (database versions not stated): gnomAD 0.00001.

Submissions (4):

PreventionGenetics, part of Exact Sciences
Classification: Pathogenic for CFAP410-related condition. Last evaluated: 2025-09-15. Review status: criteria provided, single submitter. Criteria: ACMG Guidelines, 2015. Collection method: clinical testing. Allele origin: germline.
Comment: The CFAP410 c.96+1G>A variant is predicted to disrupt the GT donor site and interfere with normal splicing. This variant has been reported, in the homozygous state or along with another variant in the gene, in two individuals with cone-rod dystrophy (Huang et al. 2016. PubMed ID: 26992781; Supplementary table, Rodríguez-Muñoz et al. 2020. PubMed ID: 32036094). This variant has not been reported in a large population database (gnomAD), indicating this variant is rare. Variants that disrupt the consensus splice donor site in CFAP410 are expected to be pathogenic. This variant is interpreted as pathogenic.

Ocular Genomics Institute, Massachusetts Eye and Ear
Classification: Pathogenic for Retinal dystrophy with or without macular staphyloma. Last evaluated: 2024-01-17. Review status: criteria provided, single submitter. Criteria: ACMG Guidelines, 2015. Collection method: research. Allele origin: germline. Affected: yes. Observed: 1 variant allele, 1 homozygote.

Labcorp Genetics (formerly Invitae), Labcorp
Classification: Pathogenic. Last evaluated: 2023-12-19. Review status: criteria provided, single submitter. Criteria: Invitae Variant Classification Sherloc (09022015). Collection method: clinical testing. Allele origin: germline.
Comment: This sequence change affects a donor splice site in intron 2 of the CFAP410 gene. It is expected to disrupt RNA splicing. Variants that disrupt the donor or acceptor splice site typically lead to a loss of protein function (PMID: 16199547), and loss-of-function variants in CFAP410 are known to be pathogenic (PMID: 23105016, 26167768). This variant is not present in population databases (gnomAD no frequency). Disruption of this splice site has been observed in individuals with cone-rod dystrophy (PMID: 26992781, 32036094). ClinVar contains an entry for this variant (Variation ID: 1457710). Algorithms developed to predict the effect of sequence changes on RNA splicing suggest that this variant may disrupt the consensus splice site. For these reasons, this variant has been classified as Pathogenic.

Institute of Human Genetics, Univ. Regensburg, Univ. Regensburg
Classification: Pathogenic for Retinal dystrophy. Last evaluated: 2023-01-01. Review status: criteria provided, single submitter. Criteria: ACMG Guidelines, 2015. Collection method: clinical testing. Allele origin: germline. Affected: yes.

Literature cited by the submitters: PubMed 16199547 (cited by Labcorp Genetics (formerly Invitae), Labcorp); PubMed 23105016 (cited by Labcorp Genetics (formerly Invitae), Labcorp); PubMed 26167768 (cited by Labcorp Genetics (formerly Invitae), Labcorp); PubMed 26992781 (cited by Labcorp Genetics (formerly Invitae), Labcorp and Institute of Human Genetics, Univ. Regensburg, Univ. Regensburg); PubMed 32036094 (cited by Labcorp Genetics (formerly Invitae), Labcorp); PubMed 3203609 (cited by Institute of Human Genetics, Univ. Regensburg, Univ. Regensburg).

NM_004928.3(CFAP410):c.96+1G>A

Gene: CFAP410 (cilia and flagella associated protein 410; minus strand). Cytogenetic location: 21q22.3.
Variant type: single nucleotide variant.
Coding change: c.96+1G>A on transcript NM_004928.3 (MANE Select); the canonical splice donor site of the intron after coding-DNA position 96, G replaced by A.
Molecular consequence: splice donor variant.
Genome position (GRCh38, 1-based): chr21:44,337,648, C>T on the plus strand (G>A on the coding strand, the complement: CFAP410 is on the minus strand). VCF-style: chr21-44337648-C-T. GRCh37 (hg19) VCF-style: chr21-45757531-C-T.
Other names: c.96+1G>A (NM_001271440.2, NM_001271441.2, NM_004928.2); c.-116+1G>A (NM_001271442.1).
Identifiers: ClinVar variation 1457710 (VCV001457710.9), dbSNP rs752137434, ClinGen allele CA410459885.